The following is an entry in ClinVar:

ClinVar aggregate classification (germline): Uncertain significance (1 of 4 stars; one submission).

Conditions:
Neurofibromatosis, type 2 (SWNV). Also called: BILATERAL ACOUSTIC NEUROFIBROMATOSIS; NF2-Related Schwannomatosis; SCHWANNOMATOSIS, VESTIBULAR. Identifiers: Orphanet 637, MedGen C0027832, MONDO:0007039, OMIM 101000. Disease mechanism: loss of function.

Submission:

Labcorp Genetics (formerly Invitae), Labcorp
Classification: Uncertain significance for Neurofibromatosis, type 2. Last evaluated: 2025-11-27. Review status: criteria provided, single submitter. Criteria: Invitae Variant Classification Sherloc (09022015). Collection method: clinical testing. Allele origin: germline.
Comment: This sequence change replaces glutamic acid, which is acidic and polar, with alanine, which is neutral and non-polar, at codon 89 of the NF2 protein (p.Glu89Ala). This variant is not present in population databases (gnomAD no frequency). This variant has not been reported in the literature in individuals affected with NF2-related conditions. Invitae Evidence Modeling of protein sequence and biophysical properties (such as structural, functional, and spatial information, amino acid conservation, physicochemical variation, residue mobility, and thermodynamic stability) indicates that this missense variant is not expected to disrupt NF2 protein function with a negative predictive value of 80%. In summary, the available evidence is currently insufficient to determine the role of this variant in disease. Therefore, it has been classified as a Variant of Uncertain Significance.

NM_000268.4(NF2):c.266A>C (p.Glu89Ala)

Gene: NF2 (NF2, moesin-ezrin-radixin like (MERLIN) tumor suppressor; plus strand). Cytogenetic location: 22q12.2.
Variant type: single nucleotide variant.
Coding change: c.266A>C on transcript NM_000268.4 (MANE Select); coding-DNA position 266, A replaced by C.
Protein change: p.Glu89Ala; replaces glutamic acid 89 with alanine.
Molecular consequence: missense variant. On other transcripts: 5 prime UTR variant (1), intron variant (8).
Genome position (GRCh38, 1-based): chr22:29,639,115, A>C. VCF-style: chr22-29639115-A-C. GRCh37 (hg19) VCF-style: chr22-30035104-A-C.
Other names: c.152A>C, p.Glu51Ala (NM_001407053.1, NM_001407056.1); c.140A>C, p.Glu47Ala (NM_001407055.1, NM_181828.3); c.266A>C, p.Glu89Ala (NM_001407057.1, NM_001407059.1, NM_001407060.1 and 5 more transcripts); c.-375A>C (NM_001407065.1); c.35A>C, p.Glu12Ala (NM_001407067.1); c.240+2239A>C (NM_001407058.1, NM_181829.3, NM_001407054.1 and 1 more transcripts); c.115-3087A>C (NM_001407063.1, NM_181830.3, NM_001407064.1 and 1 more transcripts); short protein forms E47A, E51A, E89A, E12A.
Identifiers: ClinVar variation 4692730 (VCV004692730.1).